The following is an entry in ClinVar:

NM_000037.4(ANK1):c.3050G>C (p.Trp1017Ser)

Gene: ANK1 (ankyrin 1; minus strand). Cytogenetic location: 8p11.21.
Variant type: single nucleotide variant.
Coding change: c.3050G>C on transcript NM_000037.4 (MANE Select); coding-DNA position 3050, G replaced by C.
Protein change: p.Trp1017Ser; replaces tryptophan 1017 with serine.
Molecular consequence: missense variant.
Genome position (GRCh38, 1-based): chr8:41,695,242, C>G on the plus strand (G>C on the coding strand, the complement: ANK1 is on the minus strand). VCF-style: chr8-41695242-C-G. GRCh37 (hg19) VCF-style: chr8-41552760-C-G.
Other names: c.3173G>C, p.Trp1058Ser (NM_001142446.2); c.3050G>C, p.Trp1017Ser (NM_020475.3, NM_020476.3, NM_020477.3); short protein forms W1017S, W1058S.
Identifiers: ClinVar variation 2664980 (VCV002664980.2), dbSNP rs2486776816, ClinGen allele CA371061327.

ClinVar aggregate classification (germline): Likely pathogenic (1 of 4 stars; one submission).

Conditions:
Hereditary spherocytosis type 1. Also called: Spherocytosis type 1; ANK1-Related Spherocytosis. Identifiers: Orphanet 822, MedGen C2674218, MONDO:0008447, OMIM 182900.

Submission:

Institute of Human Genetics, University of Leipzig Medical Center
Classification: Likely pathogenic for Hereditary spherocytosis type 1. Last evaluated: 2023-11-14. Review status: criteria provided, single submitter. Criteria: ACMG Guidelines, 2015. Collection method: clinical testing. Allele origin: de novo. Inheritance: Autosomal dominant inheritance. Affected: yes.
Comment: Criteria applied: PS2,PM2_SUP,PP3